The following is an entry in ClinVar:

ClinVar aggregate classification (germline): Pathogenic. Review status: criteria provided, multiple submitters, no conflicts (2 of 4 stars). 2 submissions from 2 submitters: Pathogenic (2). Last evaluated 2025-12-17.

Conditions:
Muscular dystrophy-dystroglycanopathy (congenital with brain and eye anomalies), type a, 11 (MDDGA11). Also called: WALKER-WARBURG SYNDROME OR MUSCLE-EYE-BRAIN DISEASE, B3GALNT2-RELATED; Congenital muscular dystrophy-dystroglycanopathy with brain and eye anomalies, type A11; Muscular dystrophy-dystroglycanopathy (congenital with brain and eye anomalies, type A, 11. Identifiers: Orphanet 588, Orphanet 899, MedGen C3554638, MONDO:0014071, OMIM 615181.

Submissions (2):

GeneDx
Classification: Pathogenic. Last evaluated: 2025-12-17. Review status: criteria provided, single submitter. Criteria: GeneDx Variant Classification Process June 2021. Collection method: clinical testing. Allele origin: germline. Affected: yes.
Comment: Frameshift variant predicted to result in protein truncation or nonsense mediated decay in a gene for which loss of function is a known mechanism of disease; Not observed at significant frequency in large population cohorts (gnomAD); Has not been previously published as pathogenic or benign to our knowledge; This variant is associated with the following publications: (PMID: 23453667)

Labcorp Genetics (formerly Invitae), Labcorp
Classification: Pathogenic for Muscular dystrophy-dystroglycanopathy (congenital with brain and eye anomalies), type a, 11. Last evaluated: 2025-06-16. Review status: criteria provided, single submitter. Criteria: Invitae Variant Classification Sherloc (09022015). Collection method: clinical testing. Allele origin: germline.
Comment: This sequence change creates a premature translational stop signal (p.Ala259Cysfs*5) in the B3GALNT2 gene. It is expected to result in an absent or disrupted protein product. Loss-of-function variants in B3GALNT2 are known to be pathogenic (PMID: 23453667). This variant is not present in population databases (gnomAD no frequency). This variant has not been reported in the literature in individuals affected with B3GALNT2-related conditions. ClinVar contains an entry for this variant (Variation ID: 419141). For these reasons, this variant has been classified as Pathogenic.

Literature cited by the submitters: PubMed 23453667 (cited by Labcorp Genetics (formerly Invitae), Labcorp).

NM_152490.5(B3GALNT2):c.770dup (p.Ala259fs)

Gene: B3GALNT2 (beta-1,3-N-acetylgalactosaminyltransferase 2; minus strand). Cytogenetic location: 1q42.3.
Variant type: Duplication.
Coding change: c.770dup on transcript NM_152490.5 (MANE Select); coding-DNA position 770, one base duplicated (A; older notation c.770dupA).
Protein change: p.Ala259fs; shifts the reading frame from alanine 259.
Molecular consequence: frameshift variant.
Genome position (GRCh38, 1-based): chr1:235,465,707, T duplicated on the plus strand (A on the coding strand, the reverse complement: B3GALNT2 is on the minus strand). VCF-style (leftmost placement, unchanged base first): chr1-235465706-C-CT. GRCh37 (hg19) VCF-style: chr1-235629023-C-CT.
Other names: c.893dup, p.Ala300fs (NM_001277155.3); c.770dupA (NM_152490.2); short protein forms A300fs, A259fs.
Identifiers: ClinVar variation 419141 (VCV000419141.8), dbSNP rs1064793673, ClinGen allele CA16617087.
Genomic context (GRCh38, chr1:235,465,706, plus strand): 5'-ATATATAAAACCACCTGCAACTCCCTCCACACCTTCCAAGAATTCATGAGGCAATGCACC[C>CT]TCCCCAGCCTGAAAGGAATAAGAATGTACTCAGTGATTCATTACTAAAAATACACTGATC-3'